The following is an entry in ClinVar:

NM_014625.4(NPHS2):c.167del (p.Glu56fs)

Gene: NPHS2 (NPHS2 stomatin family member, podocin; minus strand). Cytogenetic location: 1q25.2.
Variant type: Deletion.
Coding change: c.167del on transcript NM_014625.4 (MANE Select); coding-DNA position 167, one base deleted (A; older notation c.167delA).
Protein change: p.Glu56fs; shifts the reading frame from glutamic acid 56.
Molecular consequence: frameshift variant.
Genome position (GRCh38, 1-based): chr1:179,575,698, T deleted on the plus strand (A on the coding strand, the reverse complement: NPHS2 is on the minus strand). VCF-style (leftmost placement, unchanged base first): chr1-179575697-CT-C. GRCh37 (hg19) VCF-style: chr1-179544832-CT-C.
Other names: c.167del, p.Glu56fs (NM_001297575.2); short protein forms E56fs.
Identifiers: ClinVar variation 599119 (VCV000599119.5), dbSNP rs1558355124, ClinGen allele CA913189510.

ClinVar aggregate classification (germline): Pathogenic/Likely pathogenic. Review status: criteria provided, multiple submitters, no conflicts (2 of 4 stars). 4 submissions from 4 submitters: Pathogenic (2); Likely pathogenic (1). 1 of the submissions does not count toward it. Last evaluated 2025-05-13.

Conditions:
Nephrotic syndrome, type 2 (NPHS2). Also called: NEPHROTIC SYNDROME, STEROID-RESISTANT, AUTOSOMAL RECESSIVE. Identifiers: Orphanet 656, MedGen C1868672, MONDO:0010974, OMIM 600995.

Submissions (4):

Revvity Omics, Revvity
Classification: Pathogenic for Nephrotic syndrome, type 2. Last evaluated: 2025-05-13. Review status: criteria provided, single submitter. Criteria: ACMG Guidelines, 2015. Collection method: clinical testing. Allele origin: germline.

3billion
Classification: Pathogenic for Nephrotic syndrome, type 2. Last evaluated: 2024-11-27. Review status: criteria provided, single submitter. Criteria: ACMG Guidelines, 2015. Collection method: clinical testing. Allele origin: germline. Affected: yes.
Comment: The variant is not observed in the gnomAD v4.1.0 dataset. Predicted Consequence/Location: Frameshift: predicted to result in a loss or disruption of normal protein function through nonsense-mediated decay (NMD) or protein truncation. Multiple pathogenic variants are reported downstream of the variant. The variant has been reported to be associated with NPHS2-related disorder (ClinVar ID: VCV000599119 /PMID: 24227627). Therefore, this variant is classified as Pathogenic according to the recommendation of ACMG/AMP guideline.

Fulgent Genetics
Classification: Likely pathogenic for Nephrotic syndrome, type 2. Last evaluated: 2023-12-23. Review status: criteria provided, single submitter. Criteria: ACMG Guidelines, 2015. Collection method: clinical testing. Allele origin: germline.

Bioscientia Institut fuer Medizinische Diagnostik GmbH, Sonic Healthcare
Classification: Likely pathogenic for Nephrotic syndrome, type 2. Last evaluated: 2018-05-17. Review status: no assertion criteria provided. Collection method: clinical testing. Allele origin: germline. Affected: yes. Not counted in ClinVar's aggregate classification.

Literature cited by the submitters: PubMed 24227627 (cited by 3billion).